The following is an entry in ClinVar:

ClinVar aggregate classification (germline): Conflicting classifications of pathogenicity. Review status: criteria provided, conflicting classifications (1 of 4 stars). 2 submissions from 2 submitters: Uncertain significance (1); Likely benign (1). Last evaluated 2024-11-12.

Conditions:
GIGYF2-related disorder. Also called: GIGYF2-related condition.

Allele frequency attached by ClinVar (database versions not stated): gnomAD 0.00006; ExAC 0.00007; TOPMed 0.00008; 1000 Genomes Project 0.00020; 1000 Genomes Project 30x 0.00031.
gnomAD v4.1: 228 of 1,614,090 alleles (0.014%); highest among the groups gnomAD compares: Non-Finnish European, 0.018%; no homozygotes.

Submissions (2):

PreventionGenetics, part of Exact Sciences
Classification: Uncertain significance for GIGYF2-related condition. Last evaluated: 2024-11-12. Review status: criteria provided, single submitter. Criteria: ACMG Guidelines, 2015. Collection method: clinical testing. Allele origin: germline.
Comment: The GIGYF2 c.562A>G variant is predicted to result in the amino acid substitution p.Thr188Ala. To our knowledge, this variant has not been reported in the literature. This variant is reported in 0.012% of alleles in individuals of African descent in gnomAD. At this time, the clinical significance of this variant is uncertain due to the absence of conclusive functional and genetic evidence.

Ambry Genetics
Classification: Likely benign. Last evaluated: 2021-11-30. Review status: criteria provided, single submitter. Criteria: Ambry Variant Classification Scheme 2023. Collection method: clinical testing. Allele origin: germline.

NM_001103146.3(GIGYF2):c.562A>G (p.Thr188Ala)

Gene: GIGYF2 (GRB10 interacting GYF protein 2; plus strand). Cytogenetic location: 2q37.1.
Variant type: single nucleotide variant.
Coding change: c.562A>G on transcript NM_001103146.3 (MANE Select); coding-DNA position 562, A replaced by G.
Protein change: p.Thr188Ala; replaces threonine 188 with alanine.
Molecular consequence: missense variant. On other transcripts: non-coding transcript variant (1).
Genome position (GRCh38, 1-based): chr2:232,787,179, A>G. VCF-style: chr2-232787179-A-G. GRCh37 (hg19) VCF-style: chr2-233651889-A-G.
Other names: c.628A>G, p.Thr210Ala (NM_001103147.2); c.562A>G, p.Thr188Ala (NM_001103148.2, NM_015575.4); short protein forms T188A, T210A.
Identifiers: ClinVar variation 2215309 (VCV002215309.4), dbSNP rs200754933, ClinGen allele CA2170142.